The following is an entry in ClinVar:

NM_022489.4(INF2):c.3579C>G (p.Phe1193Leu)

Gene: INF2 (inverted formin 2; plus strand). Cytogenetic location: 14q32.33.
Variant type: single nucleotide variant.
Coding change: c.3579C>G on transcript NM_022489.4 (MANE Select); coding-DNA position 3579, C replaced by G.
Protein change: p.Phe1193Leu; replaces phenylalanine 1193 with leucine.
Molecular consequence: missense variant.
Genome position (GRCh38, 1-based): chr14:104,714,741, C>G. VCF-style: chr14-104714741-C-G. GRCh37 (hg19) VCF-style: chr14-105181078-C-G.
Other names: c.3579C>G, p.Phe1193Leu (NM_001031714.4); short protein forms F1193L.
Identifiers: ClinVar variation 540038 (VCV000540038.8), dbSNP rs1555375657, ClinGen allele CA391225306.

ClinVar aggregate classification (germline): Uncertain significance (1 of 4 stars; one submission).

Conditions:
Focal segmental glomerulosclerosis 5 (FSGS5). Identifiers: Orphanet 656, MedGen C2750475, MONDO:0013191, OMIM 613237.
Charcot-Marie-Tooth disease dominant intermediate E. Also called: CHARCOT-MARIE-TOOTH NEUROPATHY WITH FOCAL SEGMENTAL GLOMERULONEPHRITIS. Identifiers: Orphanet 93114, MedGen C4302667, MONDO:0013758, OMIM 614455.

Submission:

Labcorp Genetics (formerly Invitae), Labcorp
Classification: Uncertain significance for Charcot-Marie-Tooth disease dominant intermediate E; Focal segmental glomerulosclerosis 5. Last evaluated: 2017-11-28. Review status: criteria provided, single submitter. Criteria: Invitae Variant Classification Sherloc (09022015). Collection method: clinical testing. Allele origin: germline.
Comment: In summary, the available evidence is currently insufficient to determine the role of this variant in disease. Therefore, it has been classified as a Variant of Uncertain Significance. Algorithms developed to predict the effect of missense changes on protein structure and function output the following: SIFT: "Tolerated"; Align-GVGD: "Class C0". The leucine amino acid residue is found in multiple mammalian species, suggesting that this missense change does not adversely affect protein function. These predictions have not been confirmed by published functional studies and their clinical significance is uncertain. This variant has not been reported in the literature in individuals with INF2-related disease. This variant is not present in population databases (ExAC no frequency). This sequence change replaces phenylalanine with leucine at codon 1193 of the INF2 protein (p.Phe1193Leu). The phenylalanine residue is moderately conserved and there is a small physicochemical difference between phenylalanine and leucine.